The following is an entry in ClinVar:

ClinVar aggregate classification (germline): Uncertain significance (1 of 4 stars; one submission).

Conditions:
Inborn genetic diseases. Identifiers: MedGen C0950123, MeSH D030342.

Allele frequency attached by ClinVar (database versions not stated): gnomAD exomes below 0.00001.
gnomAD v4.1: 1 of 1,613,302 alleles (0.000062%); highest among the groups gnomAD compares: Non-Finnish European, 0.000085%; no homozygotes.

Submission:

Ambry Genetics
Classification: Uncertain significance for Inborn genetic diseases. Last evaluated: 2022-04-25. Review status: criteria provided, single submitter. Criteria: Ambry Variant Classification Scheme 2023. Collection method: clinical testing. Allele origin: germline.
Comment: The p.K136N variant (also known as c.408A>C), located in coding exon 2 of the TRPV4 gene, results from an A to C substitution at nucleotide position 408. The lysine at codon 136 is replaced by asparagine, an amino acid with similar properties. This amino acid position is conserved. In addition, this alteration is predicted to be tolerated by in silico analysis. Since supporting evidence is limited at this time, the clinical significance of this alteration remains unclear.

NM_021625.5(TRPV4):c.408A>C (p.Lys136Asn)

Gene: TRPV4 (transient receptor potential cation channel subfamily V member 4; minus strand). Cytogenetic location: 12q24.11.
Variant type: single nucleotide variant.
Coding change: c.408A>C on transcript NM_021625.5 (MANE Select); coding-DNA position 408, A replaced by C.
Protein change: p.Lys136Asn; replaces lysine 136 with asparagine.
Molecular consequence: missense variant.
Genome position (GRCh38, 1-based): chr12:109,808,447, T>G on the plus strand (A>C on the coding strand, the complement: TRPV4 is on the minus strand). VCF-style: chr12-109808447-T-G. GRCh37 (hg19) VCF-style: chr12-110246252-T-G.
Other names: c.306A>C, p.Lys102Asn (NM_001177431.2); c.408A>C, p.Lys136Asn (NM_001177433.2, NM_147204.3, NM_001177428.2); short protein forms K136N, K102N.
Identifiers: ClinVar variation 1737687 (VCV001737687.2), dbSNP rs2548786884, ClinGen allele CA386657417.